The following is an entry in ClinVar:

NM_015346.4(ZFYVE26):c.2674T>C (p.Ser892Pro)

Gene: ZFYVE26 (zinc finger FYVE-type containing 26; minus strand). Cytogenetic location: 14q24.1.
Variant type: single nucleotide variant.
Coding change: c.2674T>C on transcript NM_015346.4 (MANE Select); coding-DNA position 2674, T replaced by C.
Protein change: p.Ser892Pro; replaces serine 892 with proline.
Molecular consequence: missense variant.
Genome position (GRCh38, 1-based): chr14:67,790,653, A>G on the plus strand (T>C on the coding strand, the complement: ZFYVE26 is on the minus strand). VCF-style: chr14-67790653-A-G. GRCh37 (hg19) VCF-style: chr14-68257370-A-G.
Other names: short protein forms S892P.
Identifiers: ClinVar variation 1373486 (VCV001373486.8), dbSNP rs894316328, ClinGen allele CA262860477.
Genomic context (GRCh38, chr14:67,790,653, plus strand): 5'-TGGCCTGTAGAGTTGAGCGGCCACTGCCAGTTCTCCGAATGGTGCTGCTACCCGCATCTG[A>G]GTTCTGGTTTTCAATCTTGTGCTCTACTTGGGCCAGTTCTTGGATCACTTCCTGGTAGCG-3'
Protein context (NP_056161.2, residues 882-902): QVEHKIENQN[Ser892Pro]DAGSSTIRRT

ClinVar aggregate classification (germline): Uncertain significance (1 of 4 stars; one submission).

Conditions:
Spastic paraplegia. Identifiers: MedGen C0037772, HP:0001258.

Allele frequency attached by ClinVar (database versions not stated): TOPMed 0.00001.

Submission:

Labcorp Genetics (formerly Invitae), Labcorp
Classification: Uncertain significance for Spastic paraplegia. Last evaluated: 2021-05-19. Review status: criteria provided, single submitter. Criteria: Invitae Variant Classification Sherloc (09022015). Collection method: clinical testing. Allele origin: germline.
Comment: In summary, the available evidence is currently insufficient to determine the role of this variant in disease. Therefore, it has been classified as a Variant of Uncertain Significance. Algorithms developed to predict the effect of missense changes on protein structure and function (SIFT, PolyPhen-2, Align-GVGD) all suggest that this variant is likely to be tolerated, but these predictions have not been confirmed by published functional studies and their clinical significance is uncertain. This variant has not been reported in the literature in individuals with ZFYVE26-related conditions. This variant is not present in population databases (ExAC no frequency). This sequence change replaces serine with proline at codon 892 of the ZFYVE26 protein (p.Ser892Pro). The serine residue is highly conserved and there is a moderate physicochemical difference between serine and proline.